The following is an entry in ClinVar:

ClinVar aggregate classification (germline): Benign/Likely benign. Review status: criteria provided, multiple submitters, no conflicts (2 of 4 stars). 5 submissions from 5 submitters: Benign (1); Likely benign (4). Last evaluated 2025-11-10.

Conditions:
Hereditary cancer-predisposing syndrome. Also called: Tumor predisposition; Hereditary Cancer Syndrome; Neoplastic Syndromes, Hereditary; Hereditary neoplastic syndrome. Identifiers: Orphanet 140162, MedGen C0027672, MeSH D009386, MONDO:0015356.
Peutz-Jeghers syndrome (PJS). Also called: POLYPOSIS, HAMARTOMATOUS INTESTINAL; POLYPS-AND-SPOTS SYNDROME; Peutz-Jeghers polyposis; Periorificial lentiginosis syndrome. Identifiers: Orphanet 2869, MedGen C0031269, MeSH D010580, MONDO:0008280, OMIM 175200.

Allele frequency attached by ClinVar (database versions not stated): TOPMed below 0.00001; gnomAD 0.00001.
gnomAD v4.1: 4 of 1,613,530 alleles (0.00025%); highest among the groups gnomAD compares: Non-Finnish European, 0.00034%; no homozygotes.

Submissions (5):

Labcorp Genetics (formerly Invitae), Labcorp
Classification: Likely benign for Peutz-Jeghers syndrome. Last evaluated: 2025-11-10. Review status: criteria provided, single submitter. Criteria: Invitae Variant Classification Sherloc (09022015). Collection method: clinical testing. Allele origin: germline.

Myriad Genetics, Inc.
Classification: Benign for Peutz-Jeghers syndrome. Last evaluated: 2025-03-25. Review status: criteria provided, single submitter. Criteria: Myriad Autosomal Dominant, Autosomal Recessive and X-Linked Classification Criteria (2023). Collection method: clinical testing. Allele origin: unknown.
Comment: This variant is considered benign. This variant is a silent/synonymous amino acid change and it is not expected to impact splicing.

CeGaT Center for Human Genetics Tuebingen
Classification: Likely benign. Last evaluated: 2021-11-01. Review status: criteria provided, single submitter. Criteria: CeGaT Center For Human Genetics Tuebingen Variant Classification Criteria Version 2. Collection method: clinical testing. Allele origin: germline. Affected: yes. Observed: 1 variant allele.

Ambry Genetics
Classification: Likely benign for Hereditary cancer-predisposing syndrome. Last evaluated: 2021-01-12. Review status: criteria provided, single submitter. Criteria: Ambry Variant Classification Scheme 2023. Collection method: clinical testing. Allele origin: germline.

Color Diagnostics, LLC DBA Color Health
Classification: Likely benign for Hereditary cancer-predisposing syndrome. Last evaluated: 2016-12-08. Review status: criteria provided, single submitter. Criteria: ACMG Guidelines, 2015. Collection method: clinical testing. Allele origin: germline.

NM_000455.5(STK11):c.321C>T (p.His107=)

Gene: STK11 (serine/threonine kinase 11; plus strand). Cytogenetic location: 19p13.3.
Variant type: single nucleotide variant.
Coding change: c.321C>T on transcript NM_000455.5 (MANE Select); coding-DNA position 321, C replaced by T.
Protein change: p.His107=; no amino-acid change (histidine 107 retained).
Molecular consequence: synonymous variant.
Genome position (GRCh38, 1-based): chr19:1,218,447, C>T. VCF-style: chr19-1218447-C-T. GRCh37 (hg19) VCF-style: chr19-1218446-C-T.
Identifiers: ClinVar variation 237799 (VCV000237799.48), dbSNP rs878853987, ClinGen allele CA10583782.